The following is an entry in ClinVar:

NM_032444.4(SLX4):c.1109C>T (p.Ala370Val)

Gene: SLX4 (SLX4 structure-specific endonuclease subunit; minus strand). Cytogenetic location: 16p13.3.
Variant type: single nucleotide variant.
Coding change: c.1109C>T on transcript NM_032444.4 (MANE Select); coding-DNA position 1109, C replaced by T.
Protein change: p.Ala370Val; replaces alanine 370 with valine.
Molecular consequence: missense variant.
Genome position (GRCh38, 1-based): chr16:3,601,033, G>A on the plus strand (C>T on the coding strand, the complement: SLX4 is on the minus strand). VCF-style: chr16-3601033-G-A. GRCh37 (hg19) VCF-style: chr16-3651034-G-A.
Other names: c.1109C>T (LRG_503t1); short protein forms A370V.
Identifiers: ClinVar variation 526424 (VCV000526424.6), dbSNP rs189224493, ClinGen allele CA7866642.

ClinVar aggregate classification (germline): Uncertain significance. Review status: criteria provided, multiple submitters, no conflicts (2 of 4 stars). 2 submissions from 2 submitters: Uncertain significance (2). Last evaluated 2025-10-21.

Conditions:
Fanconi anemia (FA). Also called: Fanconi's anemia. Identifiers: Orphanet 84, MedGen C0015625, MeSH D005199, MONDO:0019391.

Allele frequency attached by ClinVar (database versions not stated): 1000 Genomes Project 30x 0.00016; 1000 Genomes Project 0.00020; gnomAD exomes below 0.00001 and 0.00001; TOPMed below 0.00001; ExAC 0.00001; gnomAD 0.00001.
gnomAD v4.1: 3 of 1,614,022 alleles (0.00019%); highest among the groups gnomAD compares: Non-Finnish European, 0.00025%; no homozygotes.

Submissions (2):

Labcorp Genetics (formerly Invitae), Labcorp
Classification: Uncertain significance for Fanconi anemia. Last evaluated: 2025-10-21. Review status: criteria provided, single submitter. Criteria: Invitae Variant Classification Sherloc (09022015). Collection method: clinical testing. Allele origin: germline.
Comment: This sequence change replaces alanine, which is neutral and non-polar, with valine, which is neutral and non-polar, at codon 370 of the SLX4 protein (p.Ala370Val). This variant is present in population databases (rs189224493, gnomAD 0.002%). This variant has not been reported in the literature in individuals affected with SLX4-related conditions. ClinVar contains an entry for this variant (Variation ID: 526424). An algorithm developed to predict the effect of missense changes on protein structure and function (PolyPhen-2) suggests that this variant is likely to be disruptive. In summary, the available evidence is currently insufficient to determine the role of this variant in disease. Therefore, it has been classified as a Variant of Uncertain Significance.

Blueprint Genetics
Classification: Uncertain significance. Last evaluated: 2024-01-12. Review status: criteria provided, single submitter. Criteria: ACMG Guidelines, 2015. Collection method: clinical testing. Allele origin: germline.